The following is an entry in ClinVar:

NM_000548.5(TSC2):c.4917C>T (p.Arg1639=)

Gene: TSC2 (TSC complex subunit 2; plus strand). Cytogenetic location: 16p13.3.
Variant type: single nucleotide variant.
Coding change: c.4917C>T on transcript NM_000548.5 (MANE Select); coding-DNA position 4917, C replaced by T.
Protein change: p.Arg1639=; no amino-acid change (arginine 1639 retained).
Molecular consequence: synonymous variant.
Genome position (GRCh38, 1-based): chr16:2,086,799, C>T. VCF-style: chr16-2086799-C-T. GRCh37 (hg19) VCF-style: chr16-2136800-C-T.
Other names: c.4716C>T, p.Arg1572= (NM_001077183.3); c.4848C>T, p.Arg1616= (NM_001114382.3); c.4608C>T, p.Arg1536= (NM_001318827.2); c.4572C>T, p.Arg1524= (NM_001318829.2); c.4185C>T, p.Arg1395= (NM_001318831.2); c.4749C>T, p.Arg1583= (NM_001318832.2); c.4719C>T, p.Arg1573= (NM_001363528.2); c.4785C>T, p.Arg1595= (NM_001370404.1); and 1 more.
Identifiers: ClinVar variation 391576 (VCV000391576.10), dbSNP rs1057524144, ClinGen allele CA16608073.

ClinVar aggregate classification (germline): Likely benign. Review status: criteria provided, multiple submitters, no conflicts (2 of 4 stars). 3 submissions from 3 submitters: Likely benign (3). Last evaluated 2025-01-10.

Conditions:
Tuberous sclerosis 2 (TSC2). Identifiers: Orphanet 805, MedGen C1860707, MONDO:0013199, OMIM 613254.
Hereditary cancer-predisposing syndrome. Also called: Neoplastic Syndromes, Hereditary; Hereditary neoplastic syndrome; Tumor predisposition; Hereditary Cancer Syndrome. Identifiers: Orphanet 140162, MedGen C0027672, MeSH D009386, MONDO:0015356.

Submissions (3):

Labcorp Genetics (formerly Invitae), Labcorp
Classification: Likely benign for Tuberous sclerosis 2. Last evaluated: 2025-01-10. Review status: criteria provided, single submitter. Criteria: Invitae Variant Classification Sherloc (09022015). Collection method: clinical testing. Allele origin: germline.

Ambry Genetics
Classification: Likely benign for Hereditary cancer-predisposing syndrome. Last evaluated: 2023-08-29. Review status: criteria provided, single submitter. Criteria: Ambry Variant Classification Scheme 2023. Collection method: clinical testing. Allele origin: germline.

GeneDx
Classification: Likely benign. Last evaluated: 2016-12-02. Review status: criteria provided, single submitter. Criteria: GeneDx Variant Classification (06012015). Collection method: clinical testing. Allele origin: germline. Affected: yes.
Comment: This variant is considered likely benign or benign based on one or more of the following criteria: it is a conservative change, it occurs at a poorly conserved position in the protein, it is predicted to be benign by multiple in silico algorithms, and/or has population frequency not consistent with disease.